The following is an entry in ClinVar:

ClinVar aggregate classification (germline): Conflicting classifications of pathogenicity. Review status: criteria provided, conflicting classifications (1 of 4 stars). 3 submissions from 3 submitters: Uncertain significance (2); Likely benign (1). Last evaluated 2025-06-29.

Conditions:
Inborn genetic diseases. Identifiers: MedGen C0950123, MeSH D030342.

Allele frequency attached by ClinVar (database versions not stated): gnomAD 0.00015 and 0.00018; TOPMed 0.00020.
gnomAD v4.1: 65 of 1,613,608 alleles (0.004%); highest among the groups gnomAD compares: African/African-American, 0.041%; no homozygotes.

Submissions (3):

Ambry Genetics
Classification: Uncertain significance for Inborn genetic diseases. Last evaluated: 2025-06-29. Review status: criteria provided, single submitter. Criteria: Ambry Variant Classification Scheme 2023. Collection method: clinical testing. Allele origin: germline.

Labcorp Genetics (formerly Invitae), Labcorp
Classification: Uncertain significance. Last evaluated: 2024-01-16. Review status: criteria provided, single submitter. Criteria: Invitae Variant Classification Sherloc (09022015). Collection method: clinical testing. Allele origin: germline.
Comment: This sequence change replaces arginine, which is basic and polar, with glutamine, which is neutral and polar, at codon 332 of the CAPN5 protein (p.Arg332Gln). This variant is present in population databases (rs544320019, gnomAD 0.04%), and has an allele count higher than expected for a pathogenic variant. This variant has not been reported in the literature in individuals affected with CAPN5-related conditions. ClinVar contains an entry for this variant (Variation ID: 1437892). Advanced modeling of protein sequence and biophysical properties (such as structural, functional, and spatial information, amino acid conservation, physicochemical variation, residue mobility, and thermodynamic stability) performed at Invitae indicates that this missense variant is not expected to disrupt CAPN5 protein function with a negative predictive value of 80%. In summary, the available evidence is currently insufficient to determine the role of this variant in disease. Therefore, it has been classified as a Variant of Uncertain Significance.

Blueprint Genetics
Classification: Likely benign. Last evaluated: 2022-04-08. Review status: criteria provided, single submitter. Criteria: ACMG Guidelines, 2015. Collection method: clinical testing. Allele origin: germline.

NM_004055.5(CAPN5):c.995G>A (p.Arg332Gln)

Gene: CAPN5 (calpain 5; plus strand). Cytogenetic location: 11q13.5.
Variant type: single nucleotide variant.
Coding change: c.995G>A on transcript NM_004055.5 (MANE Select); coding-DNA position 995, G replaced by A.
Protein change: p.Arg332Gln; replaces arginine 332 with glutamine.
Molecular consequence: missense variant.
Genome position (GRCh38, 1-based): chr11:77,118,180, G>A. VCF-style: chr11-77118180-G-A. GRCh37 (hg19) VCF-style: chr11-76829226-G-A.
Other names: c.995G>A (NM_004055.4); short protein forms R332Q.
Identifiers: ClinVar variation 1437892 (VCV001437892.8), dbSNP rs544320019, ClinGen allele CA6196657.
Genomic context (GRCh38, chr11:77,118,180, plus strand): 5'-GGGGGAGGTACCCTGCTCAGCCCCTCCCCACATCCAGGATGACCTTCGAGGACGTGTGCC[G>A]GTACTTCACGGACATCATCAAGTGCCGCGTGATCAACACATCCCACCTGAGCATCCACAA-3'
Protein context (NP_004046.2, residues 322-342): EFWMTFEDVC[Arg332Gln]YFTDIIKCRV